The following is an entry in ClinVar:

ClinVar aggregate classification (germline): Conflicting classifications of pathogenicity. Review status: criteria provided, conflicting classifications (1 of 4 stars). 7 submissions from 7 submitters: Uncertain significance (6); Likely benign (1). Last evaluated 2026-08-19.

Conditions:
TTN-related disorder. Also called: TTN-related disorders; TTN-related condition; TTN-related disease.
Cardiovascular phenotype. Identifiers: MedGen CN230736.
Dilated cardiomyopathy 1G (CMD1G). Identifiers: Orphanet 154, MedGen C1858763, MONDO:0011400, OMIM 604145.
Autosomal recessive limb-girdle muscular dystrophy type 2J (LGMDR10). Also called: Limb-girdle muscular dystrophy, type 2J; MUSCULAR DYSTROPHY, LIMB-GIRDLE, AUTOSOMAL RECESSIVE 10. Identifiers: Orphanet 140922, MedGen C1837342, MONDO:0012127, OMIM 608807.

Allele frequency attached by ClinVar (database versions not stated): gnomAD exomes 0.00002 and 0.00005; ExAC 0.00007; gnomAD 0.00023 and 0.00026; ESP Exome Variant Server 0.00025; TOPMed 0.00037.
gnomAD v4.1: 65 of 1,612,894 alleles (0.004%); highest among the groups gnomAD compares: African/African-American, 0.077%; no homozygotes.

Submissions (7):

PreventionGenetics, part of Exact Sciences
Classification: Uncertain significance for TTN-related condition. Last evaluated: 2026-08-19. Review status: criteria provided, single submitter. Criteria: ACMG Guidelines, 2015. Collection method: clinical testing. Allele origin: germline.
Comment: The TTN c.107671G>A variant is predicted to result in the amino acid substitution p.Gly35891Ser. To our knowledge, this variant has not been reported in the literature. This variant is reported in 0.062% of alleles in individuals of African descent in gnomAD, which is likely too common for an undocumented disease-causing variant. Although we suspect that this variant may be benign, at this time, the clinical significance of this variant is uncertain due to the absence of conclusive functional and genetic evidence.

Revvity Omics, Revvity
Classification: Uncertain significance. Last evaluated: 2025-03-18. Review status: criteria provided, single submitter. Criteria: ACMG Guidelines, 2015. Collection method: clinical testing. Allele origin: germline.

Mayo Clinic Laboratories, Mayo Clinic
Classification: Uncertain significance. Last evaluated: 2021-09-09. Review status: criteria provided, single submitter. Criteria: ACMG Guidelines, 2015. Collection method: clinical testing. Allele origin: germline.

Ambry Genetics
Classification: Likely benign for Cardiovascular phenotype. Last evaluated: 2020-02-12. Review status: criteria provided, single submitter. Criteria: Ambry Variant Classification Scheme 2023. Collection method: clinical testing. Allele origin: germline.

Laboratory for Molecular Medicine, Mass General Brigham Personalized Medicine
Classification: Uncertain significance. Last evaluated: 2017-06-28. Review status: criteria provided, single submitter. Criteria: LMM Criteria. Collection method: clinical testing. Allele origin: germline. Observed: 2 variant alleles.
Comment: While truncating variants in TTN are strongly associated with DCM (Herman 2012), the r ole of missense variants and in-frame deletions/insertions has yet to be elucida ted. Computational prediction tools and conservation analysis do not provide str ong support for or against an impact to the protein. In summary, the clinical si gnificance of the p.Gly33323Ser variant is uncertain.

Eurofins Ntd Llc (ga)
Classification: Uncertain significance. Last evaluated: 2017-04-06. Review status: criteria provided, single submitter. Criteria: EGL Classification Definitions 2015. Collection method: clinical testing. Allele origin: germline. Observed: 1 variant allele, 1 heterozygote.

Labcorp Genetics (formerly Invitae), Labcorp
Classification: Uncertain significance for Dilated cardiomyopathy 1G; Autosomal recessive limb-girdle muscular dystrophy type 2J. Last evaluated: 2017-02-08. Review status: criteria provided, single submitter. Criteria: Invitae Variant Classification Sherloc (09022015). Collection method: clinical testing. Allele origin: germline.

NM_001267550.2(TTN):c.107671G>A (p.Gly35891Ser)

Genes: TTN (titin; minus strand), TTN-AS1 (TTN antisense RNA 1; plus strand). Cytogenetic location: 2q31.2.
Variant type: single nucleotide variant.
Coding change: c.107671G>A on transcript NM_001267550.2 (MANE Select); coding-DNA position 107671, G replaced by A.
Protein change: p.Gly35891Ser; replaces glycine 35891 with serine.
Molecular consequence: missense variant.
Genome position (GRCh38, 1-based): chr2:178,527,455, C>T on the plus strand (G>A on the coding strand, the complement: TTN is on the minus strand). VCF-style: chr2-178527455-C-T. GRCh37 (hg19) VCF-style: chr2-179392182-C-T.
Other names: p.Gly34250Ser; c.99967G>A, p.Gly33323Ser (NM_133378.4); c.102748G>A, p.Gly34250Ser (NM_001256850.1); c.80476G>A, p.Gly26826Ser (NM_003319.4); c.80851G>A, p.Gly26951Ser (NM_133432.3); c.81052G>A, p.Gly27018Ser (NM_133437.4); short protein forms G33323S, G35891S, G34250S, G26826S, G26951S, G27018S.
Identifiers: ClinVar variation 229575 (VCV000229575.18), dbSNP rs201298767, ClinGen allele CA1984914.
Genomic context (GRCh38, chr2:178,527,455, plus strand): 5'-TACACCATGTTACTTGGCTTGTCTACCTCTACCAGTAATTTTATTGCTCACCTCTTATGC[C>T]TGCTTTAAGCATTTTACTAGTTGAGCTTTCCAGTTGTGTCATATTAGATATTCCCATAAA-3'
Protein context (NP_001254479.2, residues 35881-35901): ESSTSKMLKA[Gly35891Ser]IRGIPPKIEA